The following is an entry in ClinVar:

ClinVar aggregate classification (germline): Uncertain significance (1 of 4 stars; one submission).

Conditions:
Anterior segment dysgenesis 7 (ASGD7). Also called: Anterior segment dysgenesis 7, with sclerocornea; SCLEROCORNEA WITH OTHER OCULAR ANOMALIES. Identifiers: Orphanet 289499, MedGen C3151617, MONDO:0010015, OMIM 269400.

Allele frequency attached by ClinVar (database versions not stated): gnomAD exomes 0.00001 and 0.00002; TOPMed 0.00002; gnomAD 0.00003; ExAC 0.00004; 1000 Genomes Project 0.00040; 1000 Genomes Project 30x 0.00062.
gnomAD v4.1: 19 of 1,613,474 alleles (0.0012%); highest among the groups gnomAD compares: African/African-American, 0.0093%; no homozygotes.

Submission:

Labcorp Genetics (formerly Invitae), Labcorp
Classification: Uncertain significance for Anterior segment dysgenesis 7. Last evaluated: 2021-08-29. Review status: criteria provided, single submitter. Criteria: Invitae Variant Classification Sherloc (09022015). Collection method: clinical testing. Allele origin: germline.
Comment: This variant is present in population databases (rs575642508, ExAC 0.03%). This variant has not been reported in the literature in individuals affected with PXDN-related conditions. Algorithms developed to predict the effect of missense changes on protein structure and function (SIFT, PolyPhen-2, Align-GVGD) all suggest that this variant is likely to be tolerated. In summary, the available evidence is currently insufficient to determine the role of this variant in disease. Therefore, it has been classified as a Variant of Uncertain Significance. This sequence change replaces serine with leucine at codon 604 of the PXDN protein (p.Ser604Leu). The serine residue is highly conserved and there is a large physicochemical difference between serine and leucine.

NM_012293.3(PXDN):c.1811C>T (p.Ser604Leu)

Gene: PXDN (peroxidasin; minus strand). Cytogenetic location: 2p25.3.
Variant type: single nucleotide variant.
Coding change: c.1811C>T on transcript NM_012293.3 (MANE Select); coding-DNA position 1811, C replaced by T.
Protein change: p.Ser604Leu; replaces serine 604 with leucine.
Molecular consequence: missense variant.
Genome position (GRCh38, 1-based): chr2:1,660,907, G>A on the plus strand (C>T on the coding strand, the complement: PXDN is on the minus strand). VCF-style: chr2-1660907-G-A. GRCh37 (hg19) VCF-style: chr2-1664679-G-A.
Other names: short protein forms S604L.
Identifiers: ClinVar variation 1507525 (VCV001507525.6), dbSNP rs575642508, ClinGen allele CA1513205.